The following is an entry in ClinVar:

ClinVar aggregate classification (germline): Uncertain significance (1 of 4 stars; one submission).

Conditions:
Hereditary cancer-predisposing syndrome. Also called: Neoplastic Syndromes, Hereditary; Tumor predisposition; Hereditary neoplastic syndrome; Hereditary Cancer Syndrome. Identifiers: Orphanet 140162, MedGen C0027672, MeSH D009386, MONDO:0015356.

Submission:

Ambry Genetics
Classification: Uncertain significance for Hereditary cancer-predisposing syndrome. Last evaluated: 2026-06-27. Review status: criteria provided, single submitter. Criteria: Ambry Variant Classification Scheme 2023. Collection method: clinical testing. Allele origin: germline.
Comment: The p.Y16F variant (also known as c.47A>T), located in coding exon 1 of the BRIP1 gene, results from an A to T substitution at nucleotide position 47. The tyrosine at codon 16 is replaced by phenylalanine, an amino acid with highly similar properties. This amino acid position is conserved. In addition, this alteration is predicted to be tolerated by in silico analysis. Based on the available evidence, the clinical significance of this variant remains unclear.

NM_032043.3(BRIP1):c.47A>T (p.Tyr16Phe)

Gene: BRIP1 (BRCA1 interacting DNA helicase 1; minus strand). Cytogenetic location: 17q23.2.
Variant type: single nucleotide variant.
Coding change: c.47A>T on transcript NM_032043.3 (MANE Select); coding-DNA position 47, A replaced by T.
Protein change: p.Tyr16Phe; replaces tyrosine 16 with phenylalanine.
Molecular consequence: missense variant.
Genome position (GRCh38, 1-based): chr17:61,861,493, T>A on the plus strand (A>T on the coding strand, the complement: BRIP1 is on the minus strand). VCF-style: chr17-61861493-T-A. GRCh37 (hg19) VCF-style: chr17-59938854-T-A.
Other names: short protein forms Y16F.
Identifiers: ClinVar variation 5033389 (VCV005033389.1).